The following is an entry in ClinVar:

ClinVar aggregate classification (germline): Conflicting classifications of pathogenicity. Review status: criteria provided, conflicting classifications (1 of 4 stars). 4 submissions from 4 submitters: Uncertain significance (1); Likely benign (3). Last evaluated 2026-09-01.

Conditions:
Van Maldergem syndrome 2 (VMLDS2). Identifiers: Orphanet 314679, MedGen C3809875, MONDO:0014242, OMIM 615546.

Allele frequency attached by ClinVar (database versions not stated): 1000 Genomes Project 30x 0.00031; 1000 Genomes Project 0.00040; gnomAD 0.00047 and 0.00051; gnomAD exomes 0.00055 and 0.00063; ExAC 0.00060; TOPMed 0.00062; ESP Exome Variant Server 0.00092.
gnomAD v4.1: 902 of 1,614,160 alleles (0.056%); highest among the groups gnomAD compares: Middle Eastern, 0.23%; 1 homozygote.

Submissions (4):

CeGaT Center for Human Genetics Tuebingen
Classification: Likely benign. Last evaluated: 2026-09-01. Review status: criteria provided, single submitter. Criteria: CeGaT Center For Human Genetics Tuebingen Variant Classification Criteria Version 2. Collection method: clinical testing. Allele origin: germline. Affected: yes. Observed: 1 variant allele.
Comment: FAT4: BP4

Labcorp Genetics (formerly Invitae), Labcorp
Classification: Likely benign. Last evaluated: 2026-01-28. Review status: criteria provided, single submitter. Criteria: Invitae Variant Classification Sherloc (09022015). Collection method: clinical testing. Allele origin: germline.

GeneDx
Classification: Likely benign. Last evaluated: 2020-10-26. Review status: criteria provided, single submitter. Criteria: GeneDx Variant Classification Process June 2021. Collection method: clinical testing. Allele origin: germline. Affected: yes.

Undiagnosed Diseases Network, NIH
Classification: Uncertain significance for Van Maldergem syndrome 2. Last evaluated: 2016-11-16. Review status: criteria provided, single submitter. Criteria: ACMG Guidelines, 2015. Collection method: clinical testing. Allele origin: inherited. Inheritance: Autosomal recessive inheritance. Affected: yes. Observed: 1 variant allele, 1 compound heterozygote. Study: Undiagnosed Diseases Network (NIH), UDN.

NM_001291303.3(FAT4):c.10560G>A (p.Met3520Ile)

Gene: FAT4 (FAT atypical cadherin 4; plus strand). Cytogenetic location: 4q28.1.
Variant type: single nucleotide variant.
Coding change: c.10560G>A on transcript NM_001291303.3 (MANE Select); coding-DNA position 10560, G replaced by A.
Protein change: p.Met3520Ile; replaces methionine 3520 with isoleucine.
Molecular consequence: missense variant.
Genome position (GRCh38, 1-based): chr4:125,451,570, G>A. VCF-style: chr4-125451570-G-A. GRCh37 (hg19) VCF-style: chr4-126372725-G-A.
Other names: c.10560G>A, p.Met3520Ile (NM_001291285.3); c.10554G>A, p.Met3518Ile (NM_024582.6); short protein forms M3520I, M3518I.
Identifiers: ClinVar variation 522864 (VCV000522864.13), dbSNP rs144506470, ClinGen allele CA3073702.
Genomic context (GRCh38, chr4:125,451,570, plus strand): 5'-CACCCTGGAAGATATAAATGATAACGGGCCCATGCTGACTGTCAGTGAAGGAGAAGTCAT[G>A]GAAAACAAACGGCCAGGCACTTTGGTGATGACCCTTCAGTCCACTGACCCTGATCTCCCT-3'
Protein context (NP_001278232.1, residues 3510-3530): PMLTVSEGEV[Met3520Ile]ENKRPGTLVM